The following is an entry in ClinVar:

ClinVar aggregate classification (germline): Uncertain significance (1 of 4 stars; one submission).

Conditions:
Familial episodic pain syndrome with predominantly lower limb involvement. Also called: Episodic pain syndrome, familial, 3. Identifiers: Orphanet 391384, Orphanet 391392, MedGen C3809899, MONDO:0014247, OMIM 615552.
Hereditary sensory and autonomic neuropathy type 7. Also called: Neuropathy, hereditary sensory and autonomic, type VII; HSAN VII. Identifiers: Orphanet 391397, MedGen C3809882, MONDO:0014244, OMIM 615548.

Submission:

Labcorp Genetics (formerly Invitae), Labcorp
Classification: Uncertain significance for Familial episodic pain syndrome with predominantly lower limb involvement; Hereditary sensory and autonomic neuropathy type 7. Last evaluated: 2021-08-30. Review status: criteria provided, single submitter. Criteria: Invitae Variant Classification Sherloc (09022015). Collection method: clinical testing. Allele origin: germline.
Comment: This sequence change replaces tyrosine with cysteine at codon 1583 of the SCN11A protein (p.Tyr1583Cys). The tyrosine residue is moderately conserved and there is a large physicochemical difference between tyrosine and cysteine. This variant is not present in population databases (ExAC no frequency). This variant has not been reported in the literature in individuals affected with SCN11A-related conditions. Algorithms developed to predict the effect of missense changes on protein structure and function are either unavailable or do not agree on the potential impact of this missense change (SIFT: "Deleterious"; PolyPhen-2: "Probably Damaging"; Align-GVGD: "Class C0"). In summary, the available evidence is currently insufficient to determine the role of this variant in disease. Therefore, it has been classified as a Variant of Uncertain Significance.

NM_001349253.2(SCN11A):c.4748A>G (p.Tyr1583Cys)

Gene: SCN11A (sodium voltage-gated channel alpha subunit 11; minus strand). Cytogenetic location: 3p22.2.
Variant type: single nucleotide variant.
Coding change: c.4748A>G on transcript NM_001349253.2 (MANE Select); coding-DNA position 4748, A replaced by G.
Protein change: p.Tyr1583Cys; replaces tyrosine 1583 with cysteine.
Molecular consequence: missense variant.
Genome position (GRCh38, 1-based): chr3:38,847,322, T>C on the plus strand (A>G on the coding strand, the complement: SCN11A is on the minus strand). VCF-style: chr3-38847322-T-C. GRCh37 (hg19) VCF-style: chr3-38888813-T-C.
Other names: c.4748A>G, p.Tyr1583Cys (NM_014139.3); short protein forms Y1583C.
Identifiers: ClinVar variation 568309 (VCV000568309.3), dbSNP rs1559482748, ClinGen allele CA352162599.